The following is an entry in ClinVar:

ClinVar aggregate classification (germline): Uncertain significance. Review status: criteria provided, multiple submitters, no conflicts (2 of 4 stars). 3 submissions from 3 submitters: Uncertain significance (3). Last evaluated 2026-05-22.

Conditions:
Hereditary cancer-predisposing syndrome. Also called: Hereditary Cancer Syndrome; Tumor predisposition; Hereditary neoplastic syndrome; Neoplastic Syndromes, Hereditary. Identifiers: Orphanet 140162, MedGen C0027672, MeSH D009386, MONDO:0015356.
Cardiovascular phenotype. Identifiers: MedGen CN230736.
Juvenile myelomonocytic leukemia (JMML). Also called: LEUKEMIA, JUVENILE MYELOMONOCYTIC, SOMATIC. Identifiers: Orphanet 86834, MedGen C0349639, MONDO:0011908, OMIM 607785, HP:0012209.
Neurofibromatosis, type 1 (NF1). Also called: VON RECKLINGHAUSEN DISEASE; NEUROFIBROMATOSIS, TYPE I, SOMATIC; Peripheral type neurofibromatosis; Neurofibromatosis, type I. Identifiers: Orphanet 636, MedGen C0027831, MONDO:0018975, OMIM 162200. Disease mechanism: loss of function.

Submissions (3):

Ambry Genetics
Classification: Uncertain significance for Cardiovascular phenotype; Hereditary cancer-predisposing syndrome. Last evaluated: 2026-05-22. Review status: criteria provided, single submitter. Criteria: Ambry Variant Classification Scheme 2023. Collection method: clinical testing. Allele origin: germline.
Comment: The p.P534S variant (also known as c.1600C>T), located in coding exon 14 of the NF1 gene, results from a C to T substitution at nucleotide position 1600. The proline at codon 534 is replaced by serine, an amino acid with similar properties. This amino acid position is conserved. In addition, this alteration is predicted to be tolerated by in silico analysis. Based on the available evidence, the clinical significance of this variant remains unclear.

Labcorp Genetics (formerly Invitae), Labcorp
Classification: Uncertain significance for Neurofibromatosis, type 1. Last evaluated: 2024-05-15. Review status: criteria provided, single submitter. Criteria: Invitae Variant Classification Sherloc (09022015). Collection method: clinical testing. Allele origin: germline.
Comment: This sequence change replaces proline, which is neutral and non-polar, with serine, which is neutral and polar, at codon 534 of the NF1 protein (p.Pro534Ser). This variant is not present in population databases (gnomAD no frequency). This variant has not been reported in the literature in individuals affected with NF1-related conditions. ClinVar contains an entry for this variant (Variation ID: 457538). Advanced modeling of protein sequence and biophysical properties (such as structural, functional, and spatial information, amino acid conservation, physicochemical variation, residue mobility, and thermodynamic stability) performed at Invitae indicates that this missense variant is not expected to disrupt NF1 protein function with a negative predictive value of 95%. In summary, the available evidence is currently insufficient to determine the role of this variant in disease. Therefore, it has been classified as a Variant of Uncertain Significance.

Baylor Genetics
Classification: Uncertain significance for Juvenile myelomonocytic leukemia. Last evaluated: 2023-10-12. Review status: criteria provided, single submitter. Criteria: ACMG Guidelines, 2015. Collection method: clinical testing. Allele origin: unknown.

NM_001042492.3(NF1):c.1600C>T (p.Pro534Ser)

Gene: NF1 (neurofibromin 1; plus strand). Cytogenetic location: 17q11.2.
Variant type: single nucleotide variant.
Coding change: c.1600C>T on transcript NM_001042492.3 (MANE Select); coding-DNA position 1600, C replaced by T.
Protein change: p.Pro534Ser; replaces proline 534 with serine.
Molecular consequence: missense variant.
Genome position (GRCh38, 1-based): chr17:31,219,077, C>T. VCF-style: chr17-31219077-C-T. GRCh37 (hg19) VCF-style: chr17-29546095-C-T.
Other names: c.1600C>T, p.Pro534Ser (NM_000267.4, NM_001128147.3); short protein forms P534S.
Identifiers: ClinVar variation 457538 (VCV000457538.10), dbSNP rs1555612858, ClinGen allele CA399001965.